The following is an entry in ClinVar:

NM_000484.4(APP):c.2086G>A (p.Gly696Ser)

Gene: APP (amyloid beta precursor protein; minus strand). Cytogenetic location: 21q21.3.
Variant type: single nucleotide variant.
Coding change: c.2086G>A on transcript NM_000484.4 (MANE Select); coding-DNA position 2086, G replaced by A.
Protein change: p.Gly696Ser; replaces glycine 696 with serine.
Molecular consequence: missense variant.
Genome position (GRCh38, 1-based): chr21:25,891,847, C>T on the plus strand (G>A on the coding strand, the complement: APP is on the minus strand). VCF-style: chr21-25891847-C-T. GRCh37 (hg19) VCF-style: chr21-27264159-C-T.
Other names: c.2014G>A, p.Gly672Ser (NM_001136016.3); c.1693G>A, p.Gly565Ser (NM_001136129.3); c.1918G>A, p.Gly640Ser (NM_001136130.3, NM_001385253.1); c.1756G>A, p.Gly586Ser (NM_001136131.3); c.2032G>A, p.Gly678Ser (NM_001204301.2); c.1975G>A, p.Gly659Ser (NM_001204302.2); c.1807G>A, p.Gly603Ser (NM_001204303.2); c.2029G>A, p.Gly677Ser (NM_201413.3); and 1 more; short protein forms G659S, G672S, G565S, G586S, G603S, G621S, G677S, G696S.
Identifiers: ClinVar variation 2114799 (VCV002114799.4), dbSNP rs2517002786, ClinGen allele CA409805671.

ClinVar aggregate classification (germline): Uncertain significance (1 of 4 stars; one submission).

Conditions:
Alzheimer disease. Also called: Alzheimer's disease; Presenile and senile dementia. Identifiers: Orphanet 1020, MedGen C0002395, MeSH D000544, MONDO:0004975, HP:0002511.

Submission:

Labcorp Genetics (formerly Invitae), Labcorp
Classification: Uncertain significance for Alzheimer disease. Last evaluated: 2022-03-20. Review status: criteria provided, single submitter. Criteria: Invitae Variant Classification Sherloc (09022015). Collection method: clinical testing. Allele origin: germline.
Comment: This variant is not present in population databases (gnomAD no frequency). This sequence change replaces glycine, which is neutral and non-polar, with serine, which is neutral and polar, at codon 696 of the APP protein (p.Gly696Ser). This variant has not been reported in the literature in individuals affected with APP-related conditions. In summary, the available evidence is currently insufficient to determine the role of this variant in disease. Therefore, it has been classified as a Variant of Uncertain Significance. Algorithms developed to predict the effect of missense changes on protein structure and function output the following: SIFT: "Deleterious"; PolyPhen-2: "Benign"; Align-GVGD: "Class C55". The serine amino acid residue is found in multiple mammalian species, which suggests that this missense change does not adversely affect protein function.